The following is an entry in ClinVar:

ClinVar aggregate classification (germline): Uncertain significance (1 of 4 stars; one submission).

Conditions:
Dyskeratosis congenita. Identifiers: Orphanet 1775, MedGen C0265965, MONDO:0015780.

Submission:

Labcorp Genetics (formerly Invitae), Labcorp
Classification: Uncertain significance for Dyskeratosis congenita. Last evaluated: 2025-08-30. Review status: criteria provided, single submitter. Criteria: Invitae Variant Classification Sherloc (09022015). Collection method: clinical testing. Allele origin: germline.
Comment: This sequence change replaces asparagine, which is neutral and polar, with aspartic acid, which is acidic and polar, at codon 77 of the DKC1 protein (p.Asn77Asp). This variant is not present in population databases (gnomAD no frequency). This variant has not been reported in the literature in individuals affected with DKC1-related conditions. Invitae Evidence Modeling of protein sequence and biophysical properties (such as structural, functional, and spatial information, amino acid conservation, physicochemical variation, residue mobility, and thermodynamic stability) indicates that this missense variant is not expected to disrupt DKC1 protein function with a negative predictive value of 80%. In summary, the available evidence is currently insufficient to determine the role of this variant in disease. Therefore, it has been classified as a Variant of Uncertain Significance.

NM_001363.5(DKC1):c.229A>G (p.Asn77Asp)

Gene: DKC1 (dyskerin pseudouridine synthase 1; plus strand). Cytogenetic location: Xq28.
Variant type: single nucleotide variant.
Coding change: c.229A>G on transcript NM_001363.5 (MANE Select); coding-DNA position 229, A replaced by G.
Protein change: p.Asn77Asp; replaces asparagine 77 with aspartic acid.
Molecular consequence: missense variant. On other transcripts: non-coding transcript variant (3).
Genome position (GRCh38, 1-based): chrX:154,765,964, A>G. VCF-style: chrX-154765964-A-G. GRCh37 (hg19) VCF-style: chrX-153994239-A-G.
Other names: c.229A>G, p.Asn77Asp (NM_001142463.3, NM_001288747.2); short protein forms N77D.
Identifiers: ClinVar variation 4740491 (VCV004740491.1).